The following is an entry in ClinVar:

ClinVar aggregate classification (germline): Uncertain significance. Review status: criteria provided, multiple submitters, no conflicts (2 of 4 stars). 4 submissions from 4 submitters: Uncertain significance (4). Last evaluated 2025-06-18.

Conditions:
Hereditary cancer-predisposing syndrome. Also called: Neoplastic Syndromes, Hereditary; Hereditary Cancer Syndrome; Tumor predisposition; Hereditary neoplastic syndrome. Identifiers: Orphanet 140162, MedGen C0027672, MeSH D009386, MONDO:0015356.
Ataxia-telangiectasia syndrome (AT). Also called: LOUIS-BAR SYNDROME; Cerebello-oculocutaneous telangiectasia; Immunodeficiency with ataxia telangiectasia; Ataxia-telangiectasia, complementation group D; AT, COMPLEMENTATION GROUP C; Ataxia-telangiectasia, complementation group E. Identifiers: Orphanet 100, MedGen C0004135, MONDO:0008840, OMIM 208900.

Allele frequency attached by ClinVar (database versions not stated): TOPMed below 0.00001.

Submissions (4):

Labcorp Genetics (formerly Invitae), Labcorp
Classification: Uncertain significance for Ataxia-telangiectasia syndrome. Last evaluated: 2025-06-18. Review status: criteria provided, single submitter. Criteria: Invitae Variant Classification Sherloc (09022015). Collection method: clinical testing. Allele origin: germline.
Comment: This sequence change replaces leucine, which is neutral and non-polar, with proline, which is neutral and non-polar, at codon 2544 of the ATM protein (p.Leu2544Pro). This variant is not present in population databases (gnomAD no frequency). This missense change has been observed in individual(s) with ataxia-telangiectasia (PMID: 37075885). ClinVar contains an entry for this variant (Variation ID: 453695). An algorithm developed to predict the effect of missense changes on protein structure and function (PolyPhen-2) suggests that this variant is likely to be disruptive. In summary, the available evidence is currently insufficient to determine the role of this variant in disease. Therefore, it has been classified as a Variant of Uncertain Significance.

Ambry Genetics
Classification: Uncertain significance for Hereditary cancer-predisposing syndrome. Last evaluated: 2025-01-03. Review status: criteria provided, single submitter. Criteria: Ambry Variant Classification Scheme 2023. Collection method: clinical testing. Allele origin: germline.
Comment: The p.L2544P variant (also known as c.7631T>C), located in coding exon 51 of the ATM gene, results from a T to C substitution at nucleotide position 7631. The leucine at codon 2544 is replaced by proline, an amino acid with similar properties. This amino acid position is highly conserved in available vertebrate species. In addition, this alteration is predicted to be deleterious by in silico analysis. Based on the available evidence, the clinical significance of this variant remains unclear.

GeneDx
Classification: Uncertain significance. Last evaluated: 2023-10-03. Review status: criteria provided, single submitter. Criteria: GeneDx Variant Classification Process June 2021. Collection method: clinical testing. Allele origin: germline. Affected: yes.
Comment: Not observed at significant frequency in large population cohorts (gnomAD); In silico analysis supports that this missense variant has a deleterious effect on protein structure/function; Has not been previously published as pathogenic or benign to our knowledge; This variant is associated with the following publications: (PMID: 23532176, 37075885)

Color Diagnostics, LLC DBA Color Health
Classification: Uncertain significance for Hereditary cancer-predisposing syndrome. Last evaluated: 2019-04-03. Review status: criteria provided, single submitter. Criteria: ACMG Guidelines, 2015. Collection method: clinical testing. Allele origin: germline.

Literature cited by the submitters: PubMed 37075885 (cited by Labcorp Genetics (formerly Invitae), Labcorp).

NM_000051.4(ATM):c.7631T>C (p.Leu2544Pro)

Genes: C11orf65 (chromosome 11 open reading frame 65; minus strand), ATM (ATM serine/threonine kinase; plus strand). Cytogenetic location: 11q22.3.
Variant type: single nucleotide variant.
Coding change: c.7631T>C on transcript NM_000051.4 (MANE Select); coding-DNA position 7631, T replaced by C.
Protein change: p.Leu2544Pro; replaces leucine 2544 with proline.
Molecular consequence: missense variant. On other transcripts: intron variant (2).
Genome position (GRCh38, 1-based): chr11:108,331,880, T>C. VCF-style: chr11-108331880-T-C. GRCh37 (hg19) VCF-style: chr11-108202607-T-C.
Other names: c.7631T>C, p.Leu2544Pro (NM_001351834.2); c.641-22809A>G (NM_001330368.2); c.*38+3340A>G (NM_001351110.2); short protein forms L2544P.
Identifiers: ClinVar variation 453695 (VCV000453695.18), dbSNP rs1555124459, ClinGen allele CA382560888.